The following is an entry in ClinVar:

NM_015001.3(SPEN):c.4345G>T (p.Glu1449Ter)

Gene: SPEN (spen family transcriptional repressor; plus strand). Cytogenetic location: 1p36.13.
Variant type: single nucleotide variant.
Coding change: c.4345G>T on transcript NM_015001.3 (MANE Select); coding-DNA position 4345, G replaced by T.
Protein change: p.Glu1449Ter; replaces glutamic acid 1449 with a stop codon.
Molecular consequence: nonsense.
Genome position (GRCh38, 1-based): chr1:15,930,585, G>T. VCF-style: chr1-15930585-G-T. GRCh37 (hg19) VCF-style: chr1-16257080-G-T.
Other names: short protein forms E1449*.
Identifiers: ClinVar variation 1301995 (VCV001301995.3), dbSNP rs2148739431, ClinGen allele CA338613864.

ClinVar aggregate classification (germline): Pathogenic (0 of 4 stars; one submission).

Conditions:
Radio-Tartaglia syndrome. Identifiers: Orphanet 662234, MedGen C5543339, MONDO:0859143, OMIM 619312.

Submission:

Department of Genetics, Rouen University Hospital, Normandy Center for Genomic and Personalized Medicine
Classification: Pathogenic for Radio-Tartaglia syndrome. Last evaluated: 2021-10-27. Review status: no assertion criteria provided. Collection method: clinical testing. Allele origin: de novo. Inheritance: Sporadic. Affected: yes. Observed: 1 heterozygote.
Comment: This variant is absent from the gnomAD database. The probability of loss-of-function intolerance (pLI) of this gene is 1 in the gnomAD browser, which suggests that SPEN is highly intolerant to heterozygous loss-of-function variants. SPEN is also reported to be enriched in de novo and truncating variants in patients with a developmental disorder (Wang et al. 2020; Radio et al. 2021). It encodes a transcriptional repressor with a major role in the initiation of X chromosome inactivation (Dossin et al. 2020). Pathogenic variations in SPEN have been very recently associated with a neurodevelopmental disease in two clinical cohorts (Wang et al. 2020; Radio et al. 2021). The patient's phenotype appears to be consistent with the descriptions in the literature.